The following is an entry in ClinVar:

ClinVar aggregate classification (germline): Conflicting classifications of pathogenicity. Review status: criteria provided, conflicting classifications (1 of 4 stars). 3 submissions from 3 submitters: Likely pathogenic (2); Uncertain significance (1). Last evaluated 2025-04-21.

Conditions:
Hereditary cancer-predisposing syndrome. Also called: Hereditary Cancer Syndrome; Neoplastic Syndromes, Hereditary; Hereditary neoplastic syndrome; Tumor predisposition. Identifiers: Orphanet 140162, MedGen C0027672, MeSH D009386, MONDO:0015356.
Multiple endocrine neoplasia, type 1 (MEN1). Also called: MEN I; WERMER SYNDROME; Endocrine adenomatosis multiple; MEN 1; MEA I. Identifiers: Orphanet 652, MedGen C0025267, MeSH D018761, MONDO:0007540, OMIM 131100.

Allele frequency attached by ClinVar (database versions not stated): gnomAD exomes below 0.00001; TOPMed 0.00001.
gnomAD v4.1: 2 of 1,612,168 alleles (0.00012%); highest among the groups gnomAD compares: African/African-American, 0.0027%; no homozygotes.

Submissions (3):

Ambry Genetics
Classification: Likely pathogenic for Hereditary cancer-predisposing syndrome. Last evaluated: 2025-04-21. Review status: criteria provided, single submitter. Criteria: Ambry Variant Classification Scheme 2023. Collection method: clinical testing. Allele origin: germline.
Comment: The p.R355W variant (also known as c.1063C>T), located in coding exon 7 of the MEN1 gene, results from a C to T substitution at nucleotide position 1063. The arginine at codon 355 is replaced by tryptophan, an amino acid with dissimilar properties. This variant was reported in individual(s) with features consistent with Multiple Endocrine Neoplasia Type 1 (Isailovic T et al. J Med Biochem, 2019 Mar;38:38-44; Ambry internal data). This amino acid position is highly conserved in available vertebrate species. In addition, this alteration is predicted to be deleterious by in silico analysis. This variant is considered to be rare based on population cohorts in the Genome Aggregation Database (gnomAD). Based on the majority of available evidence to date, this variant is likely to be pathogenic.

Labcorp Genetics (formerly Invitae), Labcorp
Classification: Uncertain significance for Multiple endocrine neoplasia, type 1. Last evaluated: 2024-03-15. Review status: criteria provided, single submitter. Criteria: Invitae Variant Classification Sherloc (09022015). Collection method: clinical testing. Allele origin: germline.
Comment: This sequence change replaces arginine, which is basic and polar, with tryptophan, which is neutral and slightly polar, at codon 355 of the MEN1 protein (p.Arg355Trp). This variant is not present in population databases (gnomAD no frequency). This missense change has been observed in individual(s) with multiple endocrine neoplasia type 1 (PMID: 15714081, 30820182). ClinVar contains an entry for this variant (Variation ID: 527242). Advanced modeling of protein sequence and biophysical properties (such as structural, functional, and spatial information, amino acid conservation, physicochemical variation, residue mobility, and thermodynamic stability) performed at Invitae indicates that this missense variant is expected to disrupt MEN1 protein function with a positive predictive value of 95%. In summary, the available evidence is currently insufficient to determine the role of this variant in disease. Therefore, it has been classified as a Variant of Uncertain Significance.

Juno Genomics, Hangzhou Juno Genomics, Inc
Classification: Likely pathogenic for Multiple endocrine neoplasia, type 1. Review status: criteria provided, single submitter. Criteria: ACMG Guidelines, 2015. Collection method: clinical testing. Allele origin: germline.
Comment: Absent from controls (or at extremely low frequency if recessive) in Genome Aggregation Database.;Multiple lines of computational evidence support a deleterious effect on the gene or gene product.;The prevalence of the variant in affected individuals is significantly increased compared to the prevalence in controls.

Literature cited by the submitters: PubMed 15714081 (cited by Ambry Genetics and Labcorp Genetics (formerly Invitae), Labcorp); PubMed 30820182 (cited by Ambry Genetics and Labcorp Genetics (formerly Invitae), Labcorp).

NM_001370259.2(MEN1):c.1063C>T (p.Arg355Trp)

Gene: MEN1 (menin 1; minus strand). Cytogenetic location: 11q13.1.
Variant type: single nucleotide variant.
Coding change: c.1063C>T on transcript NM_001370259.2 (MANE Select); coding-DNA position 1063, C replaced by T.
Protein change: p.Arg355Trp; replaces arginine 355 with tryptophan.
Molecular consequence: missense variant.
Genome position (GRCh38, 1-based): chr11:64,805,757, G>A on the plus strand (C>T on the coding strand, the complement: MEN1 is on the minus strand). VCF-style: chr11-64805757-G-A. GRCh37 (hg19) VCF-style: chr11-64573229-G-A.
Other names: c.1078C>T, p.Arg360Trp (NM_000244.4, NM_130800.3, NM_130801.3 and 3 more transcripts); c.1189C>T, p.Arg397Trp (NM_001370251.2); c.1063C>T, p.Arg355Trp (NM_001370260.2, NM_001370261.2, NM_130799.3); c.958C>T, p.Arg320Trp (NM_001370262.2, NM_001370263.2); short protein forms R355W, R360W, R320W, R397W.
Identifiers: ClinVar variation 527242 (VCV000527242.16), dbSNP rs863224807, ClinGen allele CA381182913.
Genomic context (GRCh38, chr11:64,805,757, plus strand): 5'-GGTTGGGGATGACATCATTGGCTACTTCAAAGAACTCCTTGTAGATCTCCTCGTCTTCCC[G>A]GCAGTAGTTGTAGCTGTGAGAGCAGTGGGGTCTCTGTAGGGTCTGAAGGGGTCTCACCAT-3'
Protein context (NP_001357188.2, residues 345-365): ATVIQDYNYC[Arg355Trp]EDEEIYKEFF